The following is an entry in ClinVar:

NM_001190737.2(NFIB):c.355G>C (p.Asp119His)

Gene: NFIB (nuclear factor I B; minus strand). Cytogenetic location: 9p22.3.
Variant type: single nucleotide variant.
Coding change: c.355G>C on transcript NM_001190737.2 (MANE Select); coding-DNA position 355, G replaced by C.
Protein change: p.Asp119His; replaces aspartic acid 119 with histidine.
Molecular consequence: missense variant. On other transcripts: intron variant (3).
Genome position (GRCh38, 1-based): chr9:14,307,196, C>G on the plus strand (G>C on the coding strand, the complement: NFIB is on the minus strand). VCF-style: chr9-14307196-C-G. GRCh37 (hg19) VCF-style: chr9-14307195-C-G.
Other names: c.433G>C, p.Asp145His (NM_001190738.2); c.421G>C, p.Asp141His (NM_001369458.1, NM_001369459.1, NM_001369462.1 and 1 more transcripts); c.343G>C, p.Asp115His (NM_001369460.1, NM_001369463.1, NM_001369466.1 and 2 more transcripts); c.355G>C, p.Asp119His (NM_001369461.1, NM_001369464.1, NM_001369471.1 and 4 more transcripts); c.328G>C, p.Asp110His (NM_001369465.1, NM_001369467.1, NM_001369476.1); c.211G>C, p.Asp71His (NM_001369469.1); c.340G>C, p.Asp114His (NM_001369474.1); c.325+18G>C (NM_001369478.1, NM_001369470.1); and 2 more; short protein forms D110H, D114H, D115H, D119H, D141H, D145H, D71H.
Identifiers: ClinVar variation 3777159 (VCV003777159.1).

ClinVar aggregate classification (germline): Uncertain significance (1 of 4 stars; one submission).

Conditions:
Macrocephaly, acquired, with impaired intellectual development. Also called: MACROCEPHALY, ACQUIRED, WITH MENTAL RETARDATION. Identifiers: MedGen C4748993, MONDO:0032658, OMIM 618286.

Submission:

University of Washington Department of Laboratory Medicine, University of Washington
Classification: Uncertain significance for Macrocephaly, acquired, with impaired intellectual development. Last evaluated: 2022-01-18. Review status: criteria provided, single submitter. Criteria: ACMG Guidelines, 2015. Collection method: clinical testing. Allele origin: unknown. Affected: yes.
Comment: The p.Asp119His variant in the NFIB gene has been previously reported de novo in 1 individual with mild intellectual disability, epilepsy, and scoliosis (Kahrizi 2019). This variant is located in the highly conserved DNA binding and dimerization domain of the NFIB protein. Other pathogenic missense variants have been described in this domain and resulted in a reduction of transcriptional activity compared to the wild-type protein (Schanze 2018). The variant was absent from large population databases, including the Genome Aggregation Database. The NFIB gene has fewer missense variants in the general population than expected. A low rate of missense variation may suggest that this gene is intolerant to missense variation. In silico tools predict that the p.Asp119His variant is deleterious; however, these predictions have not been tested directly. Using ACMG guidelines, this variant was classified as a variant of uncertain significance (ACMG evidence codes used: PS2_supporting, PM1, PM2_supporting, PP2, PP3).